The following is an entry in ClinVar:

NM_002468.5(MYD88):c.-30G>A

Gene: MYD88 (MYD88 innate immune signal transduction adaptor; plus strand). Cytogenetic location: 3p22.2.
Variant type: single nucleotide variant.
Coding change: c.-30G>A on transcript NM_002468.5 (MANE Select); 30 bases upstream of the start codon, G replaced by A.
Molecular consequence: 5 prime UTR variant.
Genome position (GRCh38, 1-based): chr3:38,138,671, G>A. VCF-style: chr3-38138671-G-A. GRCh37 (hg19) VCF-style: chr3-38180162-G-A.
Other names: c.-30G>A (NM_001172566.2, NM_001172567.2, NM_001172568.2 and 4 more transcripts).
Identifiers: ClinVar variation 958926 (VCV000958926.7), dbSNP rs541535441, ClinGen allele CA2316007.

ClinVar aggregate classification (germline): Uncertain significance (1 of 4 stars; one submission).

Conditions:
Pyogenic bacterial infections due to MyD88 deficiency (IMD68). Also called: PYOGENIC BACTERIAL INFECTIONS, RECURRENT, DUE TO MYD88 DEFICIENCY. Identifiers: Orphanet 183713, MedGen C2677092, MONDO:0012839, OMIM 612260.

gnomAD v4.1: 9 of 1,561,718 alleles (0.00058%); highest among the groups gnomAD compares: Admixed American, 0.0036%; no homozygotes.

Submission:

Labcorp Genetics (formerly Invitae), Labcorp
Classification: Uncertain significance for Pyogenic bacterial infections due to MyD88 deficiency. Last evaluated: 2020-02-22. Review status: criteria provided, single submitter. Criteria: Invitae Variant Classification Sherloc (09022015). Collection method: clinical testing. Allele origin: germline.
Comment: This variant is present in population databases (rs541535441, ExAC 0.006%). In summary, the available evidence is currently insufficient to determine the role of this variant in disease. Therefore, it has been classified as a Variant of Uncertain Significance. Algorithms developed to predict the effect of missense changes on protein structure and function are either unavailable or do not agree on the potential impact of this missense change (SIFT: "Tolerated"; PolyPhen-2: "Possibly Damaging"; Align-GVGD: "Class C0"). This variant has not been reported in the literature in individuals with MYD88-related conditions. This sequence change replaces aspartic acid with asparagine at codon 4 of the MYD88 protein (p.Asp4Asn). The aspartic acid residue is weakly conserved and there is a small physicochemical difference between aspartic acid and asparagine.